The following is an entry in ClinVar:

NM_130839.5(UBE3A):c.659A>G (p.Asn220Ser)

Genes: SNHG14 (small nucleolar RNA host gene 14; plus strand), UBE3A (ubiquitin protein ligase E3A; minus strand). Cytogenetic location: 15q11.2.
Variant type: single nucleotide variant.
Coding change: c.659A>G on transcript NM_130839.5 (MANE Select); coding-DNA position 659, A replaced by G.
Protein change: p.Asn220Ser; replaces asparagine 220 with serine.
Molecular consequence: missense variant. On other transcripts: non-coding transcript variant (1), intron variant (2).
Genome position (GRCh38, 1-based): chr15:25,371,515, T>C on the plus strand (A>G on the coding strand, the complement: UBE3A is on the minus strand). VCF-style: chr15-25371515-T-C. GRCh37 (hg19) VCF-style: chr15-25616662-T-C.
Other names: c.668A>G, p.Asn223Ser (NM_000462.5); c.659A>G, p.Asn220Ser (NM_001354505.1, NM_001354538.2, NM_001354545.2); c.599A>G, p.Asn200Ser (NM_001354506.2, NM_001354507.2, NM_001354508.2 and 17 more transcripts); c.482A>G, p.Asn161Ser (NM_001354546.2); c.301+3950A>G (NM_001354551.2); c.361+3950A>G (NM_001354550.2); short protein forms N161S, N223S, N200S, N220S.
Identifiers: ClinVar variation 949921 (VCV000949921.10), dbSNP rs528422241, ClinGen allele CA7435602.
Genomic context (GRCh38, chr15:25,371,515, plus strand): 5'-TAGACCCTTCTAATGGCATCAATATCCACAGACACATCATCAGGGCCTAATTTTTGCAAA[T>C]TGTTGTCTCCCTGTGAGCTATCACCTATCCTTGAGGAAGATGCTTCTGAGTCTTCTTCCA-3'
Protein context (NP_570854.1, residues 210-230): RIGDSSQGDN[Asn220Ser]LQKLGPDDVS

ClinVar aggregate classification (germline): Uncertain significance (1 of 4 stars; one submission).

Conditions:
Angelman syndrome (AS). Also called: HAPPY PUPPET SYNDROME. Identifiers: Orphanet 72, MedGen C0162635, MONDO:0007113, OMIM 105830. Disease mechanism: loss of function. Inheritance: AS is caused by disruption of maternally imprinted UBE3A located within the 15q11.2-q13 Angelman syndrome/Prader-Willi syndrome (AS/PWS) region., imprinting disorder.

Allele frequency attached by ClinVar (database versions not stated): gnomAD exomes below 0.00001 and 0.00001; gnomAD 0.00001; ExAC 0.00002; 1000 Genomes Project 30x 0.00016; 1000 Genomes Project 0.00020.
gnomAD v4.1: 7 of 1,614,092 alleles (0.00043%); highest among the groups gnomAD compares: South Asian, 0.0022%; no homozygotes.

Submission:

Labcorp Genetics (formerly Invitae), Labcorp
Classification: Uncertain significance for Angelman syndrome. Last evaluated: 2022-01-13. Review status: criteria provided, single submitter. Criteria: Invitae Variant Classification Sherloc (09022015). Collection method: clinical testing. Allele origin: germline.
Comment: This sequence change replaces asparagine, which is neutral and polar, with serine, which is neutral and polar, at codon 200 of the UBE3A protein (p.Asn200Ser). This variant has not been reported in the literature in individuals affected with UBE3A-related conditions. In summary, the available evidence is currently insufficient to determine the role of this variant in disease. Therefore, it has been classified as a Variant of Uncertain Significance. Algorithms developed to predict the effect of missense changes on protein structure and function output the following: SIFT: "Not Available"; PolyPhen-2: "Benign"; Align-GVGD: "Not Available". The serine amino acid residue is found in multiple mammalian species, which suggests that this missense change does not adversely affect protein function. ClinVar contains an entry for this variant (Variation ID: 949921). This variant is present in population databases (rs528422241, gnomAD 0.006%).